The following is an entry in ClinVar:

NM_020232.5(PSMG2):c.229+3A>G

Gene: PSMG2 (proteasome assembly chaperone 2; plus strand). Cytogenetic location: 18p11.21.
Variant type: single nucleotide variant.
Coding change: c.229+3A>G on transcript NM_020232.5 (MANE Select); 3 bases into the intron after coding-DNA position 229, A replaced by G.
Molecular consequence: intron variant.
Genome position (GRCh38, 1-based): chr18:12,706,724, A>G. VCF-style: chr18-12706724-A-G. GRCh37 (hg19) VCF-style: chr18-12706723-A-G.
Other names: c.136+3A>G (NM_147163.2).
Identifiers: ClinVar variation 2986076 (VCV002986076.3), dbSNP rs747644985, ClinGen allele CA8898314.
Genomic context (GRCh38, chr18:12,706,724, plus strand): 5'-AACAATCCATATGCGACCACAGAAGGAAATTCAACAGAACTTAGCATAAATGCTGAAGGT[A>G]TGTAAGACTTTACCTTGTATTTTTCCACTACAAAGTAGAGTTGTTTTAAATTAGAAATAG-3'

ClinVar aggregate classification (germline): Uncertain significance (1 of 4 stars; one submission).

Allele frequency attached by ClinVar (database versions not stated): TOPMed 0.00001; gnomAD 0.00001; ExAC 0.00002; gnomAD exomes 0.00001.

Submission:

Labcorp Genetics (formerly Invitae), Labcorp
Classification: Uncertain significance. Last evaluated: 2025-09-28. Review status: criteria provided, single submitter. Criteria: Invitae Variant Classification Sherloc (09022015). Collection method: clinical testing. Allele origin: germline.
Comment: This sequence change falls in intron 2 of the PSMG2 gene. It does not directly change the encoded amino acid sequence of the PSMG2 protein. It affects a nucleotide within the consensus splice site. This variant is present in population databases (rs747644985, gnomAD 0.01%). This variant has not been reported in the literature in individuals affected with PSMG2-related conditions. ClinVar contains an entry for this variant (Variation ID: 2986076). Variants that disrupt the consensus splice site are a relatively common cause of aberrant splicing (PMID: 17576681, 9536098). Algorithms developed to predict the effect of sequence changes on RNA splicing suggest that this variant is not likely to affect RNA splicing. In summary, the available evidence is currently insufficient to determine the role of this variant in disease. Therefore, it has been classified as a Variant of Uncertain Significance.

Literature cited by the submitters: PubMed 17576681; PubMed 9536098.